The following is an entry in ClinVar:

ClinVar aggregate classification (germline): Likely benign. Review status: criteria provided, multiple submitters, no conflicts (2 of 4 stars). 2 submissions from 2 submitters: Likely benign (2). Last evaluated 2025-04-09.

Conditions:
Inborn genetic diseases. Identifiers: MedGen C0950123, MeSH D030342.

gnomAD v4.1: 13 of 1,607,136 alleles (0.00081%); highest among the groups gnomAD compares: African/African-American, 0.0094%; no homozygotes.

Submissions (2):

Dasa
Classification: Likely benign. Last evaluated: 2025-04-09. Review status: criteria provided, single submitter. Criteria: DASA Assertion Criteria. Collection method: clinical testing. Allele origin: germline.
Comment: NM_001162501.2(TNRC6B):c.3164A>G (p.Asn1055Ser) is a missense variant that results in the substitution of asparagine with serine. The variant context is inconsistent with a known disease-causing mechanism. Computational prediction algorithms are consistent with a benign effect. Therefore, based on the currently available evidence, this variant is classified as likely benign.

Ambry Genetics
Classification: Likely benign for Inborn genetic diseases. Last evaluated: 2024-11-23. Review status: criteria provided, single submitter. Criteria: Ambry Variant Classification Scheme 2023. Collection method: clinical testing. Allele origin: germline.

NM_001162501.2(TNRC6B):c.3164A>G (p.Asn1055Ser)

Gene: TNRC6B (trinucleotide repeat containing adaptor 6B; plus strand). Cytogenetic location: 22q13.1.
Variant type: single nucleotide variant.
Coding change: c.3164A>G on transcript NM_001162501.2 (MANE Select); coding-DNA position 3164, A replaced by G.
Protein change: p.Asn1055Ser; replaces asparagine 1055 with serine.
Molecular consequence: missense variant.
Genome position (GRCh38, 1-based): chr22:40,277,099, A>G. VCF-style: chr22-40277099-A-G. GRCh37 (hg19) VCF-style: chr22-40673103-A-G.
Other names: c.923A>G, p.Asn308Ser (NM_001024843.2); c.3005A>G, p.Asn1002Ser (NM_015088.3); short protein forms N1055S, N1002S, N308S.
Identifiers: ClinVar variation 3459564 (VCV003459564.3).